The following is an entry in ClinVar:

ClinVar aggregate classification (germline): Uncertain significance (1 of 4 stars; one submission).

Submission:

Labcorp Genetics (formerly Invitae), Labcorp
Classification: Uncertain significance. Last evaluated: 2021-05-16. Review status: criteria provided, single submitter. Criteria: Invitae Variant Classification Sherloc (09022015). Collection method: clinical testing. Allele origin: germline.
Comment: This sequence change replaces isoleucine with methionine at codon 521 of the CCT2 protein (p.Ile521Met). The isoleucine residue is highly conserved and there is a small physicochemical difference between isoleucine and methionine. This variant is not present in population databases (ExAC no frequency). This variant has not been reported in the literature in individuals with CCT2-related conditions. Algorithms developed to predict the effect of missense changes on protein structure and function are either unavailable or do not agree on the potential impact of this missense change (SIFT: "Deleterious"; PolyPhen-2: "Possibly Damaging"; Align-GVGD: "Class C0"). In summary, the available evidence is currently insufficient to determine the role of this variant in disease. Therefore, it has been classified as a Variant of Uncertain Significance.

NM_006431.3(CCT2):c.1563C>G (p.Ile521Met)

Gene: CCT2 (chaperonin containing TCP1 subunit 2; plus strand). Cytogenetic location: 12q15.
Variant type: single nucleotide variant.
Coding change: c.1563C>G on transcript NM_006431.3 (MANE Select); coding-DNA position 1563, C replaced by G.
Protein change: p.Ile521Met; replaces isoleucine 521 with methionine.
Molecular consequence: missense variant.
Genome position (GRCh38, 1-based): chr12:69,599,990, C>G. VCF-style: chr12-69599990-C-G. GRCh37 (hg19) VCF-style: chr12-69993770-C-G.
Other names: c.1422C>G, p.Ile474Met (NM_001198842.2); short protein forms I521M, I474M.
Identifiers: ClinVar variation 1505944 (VCV001505944.8), dbSNP rs2135861410, ClinGen allele CA385732168.